The following is an entry in ClinVar:

NM_000059.4(BRCA2):c.6611C>G (p.Pro2204Arg)

Gene: BRCA2 (BRCA2 DNA repair associated; plus strand). Cytogenetic location: 13q13.1.
Variant type: single nucleotide variant.
Coding change: c.6611C>G on transcript NM_000059.4 (MANE Select); coding-DNA position 6611, C replaced by G.
Protein change: p.Pro2204Arg; replaces proline 2204 with arginine.
Molecular consequence: missense variant.
Genome position (GRCh38, 1-based): chr13:32,340,966, C>G. VCF-style: chr13-32340966-C-G. GRCh37 (hg19) VCF-style: chr13-32915103-C-G.
Other names: short protein forms P2204R.
Identifiers: ClinVar variation 481584 (VCV000481584.7), dbSNP rs1555284771, ClinGen allele CA387790155.
Genomic context (GRCh38, chr13:32,340,966, plus strand): 5'-AGGCTTCACCTAAAAACGTAAAAATGGAAATTGGTAAAACTGAAACTTTTTCTGATGTTC[C>G]TGTGAAAACAAATATAGAAGTTTGTTCTACTTACTCCAAAGATTCAGAAAACTACTTTGA-3'
Protein context (NP_000050.3, residues 2194-2214): IGKTETFSDV[Pro2204Arg]VKTNIEVCST

ClinVar aggregate classification (germline): Conflicting classifications of pathogenicity. Review status: criteria provided, conflicting classifications (1 of 4 stars). 2 submissions from 2 submitters: Uncertain significance (1); Likely benign (1). Last evaluated 2023-03-23.

Conditions:
Hereditary cancer-predisposing syndrome. Also called: Neoplastic Syndromes, Hereditary; Tumor predisposition; Hereditary Cancer Syndrome; Hereditary neoplastic syndrome. Identifiers: Orphanet 140162, MedGen C0027672, MeSH D009386, MONDO:0015356.

Submissions (2):

University of Washington Department of Laboratory Medicine, University of Washington
Classification: Likely benign for Hereditary cancer-predisposing syndrome. Last evaluated: 2023-03-23. Review status: criteria provided, single submitter. Criteria: Dines et al. (Genet Med. 2020). Collection method: curation. Allele origin: germline.
Comment: Missense variant in a coldspot region where missense variants are very unlikely to be pathogenic (PMID:31911673).

BRCA2 exon 11 coldspot. Reclassification based on statistical prior probability.

Ambry Genetics
Classification: Uncertain significance for Hereditary cancer-predisposing syndrome. Last evaluated: 2016-12-09. Review status: criteria provided, single submitter. Criteria: Ambry Variant Classification Scheme 2023. Collection method: clinical testing. Allele origin: germline.
Comment: The p.P2204R variant (also known as c.6611C>G), located in coding exon 10 of the BRCA2 gene, results from a C to G substitution at nucleotide position 6611. The proline at codon 2204 is replaced by arginine, an amino acid with dissimilar properties. This amino acid position is not well conserved in available vertebrate species. In addition, the in silico prediction for this alteration is inconclusive. Since supporting evidence is limited at this time, the clinical significance of this alteration remains unclear.